The following is an entry in ClinVar:

ClinVar aggregate classification (germline): Uncertain significance (1 of 4 stars; one submission).

Conditions:
Inborn genetic diseases. Identifiers: MedGen C0950123, MeSH D030342.

Submission:

Ambry Genetics
Classification: Uncertain significance for Inborn genetic diseases. Last evaluated: 2025-09-01. Review status: criteria provided, single submitter. Criteria: Ambry Variant Classification Scheme 2023. Collection method: clinical testing. Allele origin: germline.
Comment: The p.A508V variant (also known as c.1523C>T), located in coding exon 12 of the FANCG gene, results from a C to T substitution at nucleotide position 1523. The alanine at codon 508 is replaced by valine, an amino acid with similar properties. This amino acid position is conserved. In addition, this alteration is predicted to be tolerated by in silico analysis. Based on the available evidence, the clinical significance of this variant remains unclear.

NM_004629.2(FANCG):c.1523C>T (p.Ala508Val)

Gene: FANCG (FA complementation group G; minus strand). Cytogenetic location: 9p13.3.
Variant type: single nucleotide variant.
Coding change: c.1523C>T on transcript NM_004629.2 (MANE Select); coding-DNA position 1523, C replaced by T.
Protein change: p.Ala508Val; replaces alanine 508 with valine.
Molecular consequence: missense variant.
Genome position (GRCh38, 1-based): chr9:35,075,040, G>A on the plus strand (C>T on the coding strand, the complement: FANCG is on the minus strand). VCF-style: chr9-35075040-G-A. GRCh37 (hg19) VCF-style: chr9-35075037-G-A.
Other names: short protein forms A508V.
Identifiers: ClinVar variation 4254497 (VCV004254497.1).